The following is an entry in ClinVar:

NM_002691.4(POLD1):c.684A>T (p.Glu228Asp)

Gene: POLD1 (DNA polymerase delta 1, catalytic subunit; plus strand). Cytogenetic location: 19q13.33.
Variant type: single nucleotide variant.
Coding change: c.684A>T on transcript NM_002691.4 (MANE Select); coding-DNA position 684, A replaced by T.
Protein change: p.Glu228Asp; replaces glutamic acid 228 with aspartic acid.
Molecular consequence: missense variant. On other transcripts: non-coding transcript variant (1).
Genome position (GRCh38, 1-based): chr19:50,402,299, A>T. VCF-style: chr19-50402299-A-T. GRCh37 (hg19) VCF-style: chr19-50905556-A-T.
Other names: c.684A>T, p.Glu228Asp (NM_001256849.1, NM_001308632.1); c.684A>T (NM_002691.2); short protein forms E228D.
Identifiers: ClinVar variation 1492654 (VCV001492654.9), dbSNP rs1234024396, ClinGen allele CA406974338.

ClinVar aggregate classification (germline): Uncertain significance. Review status: criteria provided, multiple submitters, no conflicts (2 of 4 stars). 2 submissions from 2 submitters: Uncertain significance (2). Last evaluated 2025-08-20.

Conditions:
POLD1-related polyposis and colorectal cancer syndrome (CRCS10). Also called: Colorectal cancer 10; COLORECTAL CANCER, SUSCEPTIBILITY TO, ON CHROMOSOME 19q; Colorectal cancer, susceptibility to, 10. Identifiers: Orphanet 220460, MedGen C2675481, MONDO:0012953, OMIM 612591.
Hereditary cancer-predisposing syndrome. Also called: Neoplastic Syndromes, Hereditary; Tumor predisposition; Hereditary Cancer Syndrome; Hereditary neoplastic syndrome. Identifiers: Orphanet 140162, MedGen C0027672, MeSH D009386, MONDO:0015356.

Allele frequency attached by ClinVar (database versions not stated): gnomAD exomes below 0.00001.
gnomAD v4.1: 1 of 1,610,868 alleles (0.000062%); highest among the groups gnomAD compares: Admixed American, 0.0017%; no homozygotes.

Submissions (2):

Ambry Genetics
Classification: Uncertain significance for Hereditary cancer-predisposing syndrome. Last evaluated: 2025-08-20. Review status: criteria provided, single submitter. Criteria: Ambry Variant Classification Scheme 2023. Collection method: clinical testing. Allele origin: germline.
Comment: The p.E228D variant (also known as c.684A>T), located in coding exon 5 of the POLD1 gene, results from an A to T substitution at nucleotide position 684. The glutamic acid at codon 228 is replaced by aspartic acid, an amino acid with highly similar properties. This amino acid position is conserved. In addition, this alteration is predicted to be tolerated by in silico analysis. Based on the available evidence, the clinical significance of this variant remains unclear.

Labcorp Genetics (formerly Invitae), Labcorp
Classification: Uncertain significance for POLD1-related polyposis and colorectal cancer syndrome. Last evaluated: 2024-06-17. Review status: criteria provided, single submitter. Criteria: Invitae Variant Classification Sherloc (09022015). Collection method: clinical testing. Allele origin: germline.
Comment: This sequence change replaces glutamic acid, which is acidic and polar, with aspartic acid, which is acidic and polar, at codon 228 of the POLD1 protein (p.Glu228Asp). This variant is present in population databases (no rsID available, gnomAD 0.003%). This variant has not been reported in the literature in individuals affected with POLD1-related conditions. ClinVar contains an entry for this variant (Variation ID: 1492654). Advanced modeling of protein sequence and biophysical properties (such as structural, functional, and spatial information, amino acid conservation, physicochemical variation, residue mobility, and thermodynamic stability) performed at Invitae indicates that this missense variant is not expected to disrupt POLD1 protein function with a negative predictive value of 80%. In summary, the available evidence is currently insufficient to determine the role of this variant in disease. Therefore, it has been classified as a Variant of Uncertain Significance.